The following is an entry in ClinVar:

ClinVar aggregate classification (germline): Uncertain significance (1 of 4 stars; one submission).

gnomAD v4.1: 1 of 1,613,840 alleles (0.000062%); highest among the groups gnomAD compares: Non-Finnish European, 0.000085%; no homozygotes.

Submission:

Labcorp Genetics (formerly Invitae), Labcorp
Classification: Uncertain significance. Last evaluated: 2024-07-31. Review status: criteria provided, single submitter. Criteria: Invitae Variant Classification Sherloc (09022015). Collection method: clinical testing. Allele origin: germline.
Comment: This sequence change replaces threonine, which is neutral and polar, with isoleucine, which is neutral and non-polar, at codon 509 of the ABCA4 protein (p.Thr509Ile). This variant is not present in population databases (gnomAD no frequency). This variant has not been reported in the literature in individuals affected with ABCA4-related conditions. Advanced modeling of protein sequence and biophysical properties (such as structural, functional, and spatial information, amino acid conservation, physicochemical variation, residue mobility, and thermodynamic stability) performed at Invitae indicates that this missense variant is not expected to disrupt ABCA4 protein function with a negative predictive value of 95%. In summary, the available evidence is currently insufficient to determine the role of this variant in disease. Therefore, it has been classified as a Variant of Uncertain Significance.

NM_000350.3(ABCA4):c.1526C>T (p.Thr509Ile)

Gene: ABCA4 (ATP binding cassette subfamily A member 4; minus strand). Cytogenetic location: 1p22.1.
Variant type: single nucleotide variant.
Coding change: c.1526C>T on transcript NM_000350.3 (MANE Select); coding-DNA position 1526, C replaced by T.
Protein change: p.Thr509Ile; replaces threonine 509 with isoleucine.
Molecular consequence: missense variant.
Genome position (GRCh38, 1-based): chr1:94,077,718, G>A on the plus strand (C>T on the coding strand, the complement: ABCA4 is on the minus strand). VCF-style: chr1-94077718-G-A. GRCh37 (hg19) VCF-style: chr1-94543274-G-A.
Other names: c.1526C>T, p.Thr509Ile (NM_001425324.1); short protein forms T509I.
Identifiers: ClinVar variation 3646297 (VCV003646297.2).
Genomic context (GRCh38, chr1:94,077,718, plus strand): 5'-AGGGGCCCACTGTGGGGCTTGCAGCCCCTTACCTCCAGGTATTGATTGACCAGGCGGAGG[G>A]TGCGATCAGTGATGTTAAATATGTCCCTCCAGTCGAAGTTGGCCATGTCGTCAGCCTGGC-3'
Protein context (NP_000341.2, residues 499-519): WRDIFNITDR[Thr509Ile]LRLVNQYLEC